The following is an entry in ClinVar:

NM_020771.4(HACE1):c.176A>G (p.Tyr59Cys)

Gene: HACE1 (HECT domain and ankyrin repeat containing E3 ubiquitin protein ligase 1; minus strand). Cytogenetic location: 6q16.3.
Variant type: single nucleotide variant.
Coding change: c.176A>G on transcript NM_020771.4 (MANE Select); coding-DNA position 176, A replaced by G.
Protein change: p.Tyr59Cys; replaces tyrosine 59 with cysteine.
Molecular consequence: missense variant. On other transcripts: 5 prime UTR variant (6), non-coding transcript variant (7).
Genome position (GRCh38, 1-based): chr6:104,850,952, T>C on the plus strand (A>G on the coding strand, the complement: HACE1 is on the minus strand). VCF-style: chr6-104850952-T-C. GRCh37 (hg19) VCF-style: chr6-105298827-T-C.
Other names: c.176A>G, p.Tyr59Cys (NM_001321080.2, NM_001350555.2); c.74A>G, p.Tyr25Cys (NM_001321083.2, NM_001350554.2); c.-246A>G (NM_001321084.2, NM_001350558.2); c.-235A>G (NM_001350556.2); c.-170A>G (NM_001350557.2); c.-192A>G (NM_001350559.2); c.-400A>G (NM_001350560.2); short protein forms Y25C, Y59C.
Identifiers: ClinVar variation 2145564 (VCV002145564.3), dbSNP rs564594022, ClinGen allele CA3940612.

ClinVar aggregate classification (germline): Uncertain significance (1 of 4 stars; one submission).

Allele frequency attached by ClinVar (database versions not stated): ExAC 0.00005; gnomAD 0.00009; 1000 Genomes Project 30x 0.00031; 1000 Genomes Project 0.00040.
gnomAD v4.1: 30 of 1,610,468 alleles (0.0019%); highest among the groups gnomAD compares: African/African-American, 0.021%; no homozygotes.

Submission:

Labcorp Genetics (formerly Invitae), Labcorp
Classification: Uncertain significance. Last evaluated: 2024-01-02. Review status: criteria provided, single submitter. Criteria: Invitae Variant Classification Sherloc (09022015). Collection method: clinical testing. Allele origin: germline.
Comment: This sequence change replaces tyrosine, which is neutral and polar, with cysteine, which is neutral and slightly polar, at codon 59 of the HACE1 protein (p.Tyr59Cys). This variant is present in population databases (rs564594022, gnomAD 0.04%). This variant has not been reported in the literature in individuals affected with HACE1-related conditions. ClinVar contains an entry for this variant (Variation ID: 2145564). An algorithm developed to predict the effect of missense changes on protein structure and function (PolyPhen-2) suggests that this variant is likely to be disruptive. In summary, the available evidence is currently insufficient to determine the role of this variant in disease. Therefore, it has been classified as a Variant of Uncertain Significance.